The following is an entry in ClinVar:

NM_001367561.1(DOCK7):c.4924-1G>A

Gene: DOCK7 (dedicator of cytokinesis 7; minus strand). Cytogenetic location: 1p31.3.
Variant type: single nucleotide variant.
Coding change: c.4924-1G>A on transcript NM_001367561.1 (MANE Select); the canonical splice acceptor site of the intron before coding-DNA position 4924, G replaced by A.
Molecular consequence: splice acceptor variant.
Genome position (GRCh38, 1-based): chr1:62,495,682, C>T on the plus strand (G>A on the coding strand, the complement: DOCK7 is on the minus strand). VCF-style: chr1-62495682-C-T. GRCh37 (hg19) VCF-style: chr1-62961353-C-T.
Other names: c.4804-1G>A (NM_001272001.2, NM_001272000.2); c.4831-1G>A (NM_033407.4); c.4897-1G>A (NM_001271999.2, NM_001330614.2).
Identifiers: ClinVar variation 1338976 (VCV001338976.4), dbSNP rs2149301822, ClinGen allele CA340613667.

ClinVar aggregate classification (germline): Pathogenic/Likely pathogenic. Review status: criteria provided, multiple submitters, no conflicts (2 of 4 stars). 2 submissions from 2 submitters: Pathogenic (1); Likely pathogenic (1). Last evaluated 2024-10-30.

Conditions:
Developmental and epileptic encephalopathy, 23 (DEE23). Also called: Epileptic encephalopathy, early infantile, 23. Identifiers: Orphanet 411986, MedGen C4014492, MONDO:0014371, OMIM 615859.

Submissions (2):

Labcorp Genetics (formerly Invitae), Labcorp
Classification: Pathogenic for Developmental and epileptic encephalopathy, 23. Last evaluated: 2024-10-30. Review status: criteria provided, single submitter. Criteria: Invitae Variant Classification Sherloc (09022015). Collection method: clinical testing. Allele origin: germline.
Comment: This sequence change affects an acceptor splice site in intron 38 of the DOCK7 gene. It is expected to disrupt RNA splicing. Variants that disrupt the donor or acceptor splice site typically lead to a loss of protein function (PMID: 16199547), and loss-of-function variants in DOCK7 are known to be pathogenic (PMID: 24814191). This variant is not present in population databases (gnomAD no frequency). Disruption of this splice site has been observed in individuals with DOCK7-related conditions (PMID: 34561314, 36801247). ClinVar contains an entry for this variant (Variation ID: 1338976). Algorithms developed to predict the effect of sequence changes on RNA splicing suggest that this variant may disrupt the consensus splice site. For these reasons, this variant has been classified as Pathogenic.

Neuberg Centre For Genomic Medicine, NCGM
Classification: Likely pathogenic for Developmental and epileptic encephalopathy, 23. Review status: criteria provided, single submitter. Criteria: ACMG Guidelines, 2015. Collection method: clinical testing. Allele origin: germline. Affected: yes.
Comment: The splice acceptor variant c.4897-1G>A in DOCK7 (NM_001271999.2) has not been reported previously as a pathogenic variant nor as a benign variant, to our knowledge. The c.4897-1G>A variant is novel (not in any individuals) in gnomAD Exomes and is novel (not in any individuals) in 1000 Genomes. The c.4897-1G>A variant affects an invariant splice site. Loss of function mutations have been previously reported to be disease causing. For these reasons, this variant has been classified as Likely Pathogenic.

Literature cited by the submitters: PubMed 16199547 (cited by Labcorp Genetics (formerly Invitae), Labcorp); PubMed 24814191 (cited by Labcorp Genetics (formerly Invitae), Labcorp); PubMed 34561314 (cited by Labcorp Genetics (formerly Invitae), Labcorp); PubMed 36801247 (cited by Labcorp Genetics (formerly Invitae), Labcorp).